The following is an entry in ClinVar:

NM_007294.4(BRCA1):c.2497T>C (p.Leu833=)

Gene: BRCA1 (BRCA1 DNA repair associated; minus strand). Cytogenetic location: 17q21.31.
Variant type: single nucleotide variant.
Coding change: c.2497T>C on transcript NM_007294.4 (MANE Select); coding-DNA position 2497, T replaced by C.
Protein change: p.Leu833=; no amino-acid change (leucine 833 retained).
Molecular consequence: synonymous variant. On other transcripts: intron variant (137).
Genome position (GRCh38, 1-based): chr17:43,093,034, A>G on the plus strand (T>C on the coding strand, the complement: BRCA1 is on the minus strand). VCF-style: chr17-43093034-A-G. GRCh37 (hg19) VCF-style: chr17-41245051-A-G.
Other names: c.2497T>C, p.Leu833= (NM_001407605.1, NM_001407616.1, NM_001407617.1 and 30 more transcripts); c.2494T>C, p.Leu832= (NM_001407610.1, NM_001407611.1, NM_001407612.1 and 22 more transcripts); c.2488T>C, p.Leu830= (NM_001407646.1, NM_001407647.1); c.2374T>C, p.Leu792= (NM_001407648.1, NM_001407664.1, NM_001407665.1 and 19 more transcripts); c.2371T>C, p.Leu791= (NM_001407649.1, NM_001407670.1, NM_001407671.1 and 11 more transcripts); c.2419T>C, p.Leu807= (NM_001407653.1, NM_001407654.1, NM_001407655.1 and 4 more transcripts); c.2416T>C, p.Leu806= (NM_001407659.1, NM_001407660.1, NM_001407661.1 and 1 more transcripts); c.2356T>C, p.Leu786= (NM_001407692.1, NM_001407694.1, NM_001407695.1 and 29 more transcripts); and 41 more.
Identifiers: ClinVar variation 415591 (VCV000415591.18), dbSNP rs887578121, ClinGen allele CA16615671.

ClinVar aggregate classification (germline): Likely benign. Review status: criteria provided, multiple submitters, no conflicts (2 of 4 stars). 5 submissions from 5 submitters: Likely benign (5). Last evaluated 2025-08-13.

Conditions:
Breast-ovarian cancer, familial, susceptibility to, 1 (BROVCA1). Also called: BRCA1 Hereditary Breast and Ovarian Cancer; OVARIAN CANCER, SUSCEPTIBILITY TO. Identifiers: Orphanet 145, MedGen C2676676, MONDO:0011450, OMIM 604370. Disease mechanism: loss of function.
Hereditary breast ovarian cancer syndrome. Also called: Hereditary breast and ovarian cancer syndrome; Breast and ovarian cancer; Hereditary breast and ovarian cancer syndrome (HBOC); Hereditary breast and/or ovarian cancer syndrome; BRCA1- and BRCA2-Associated Hereditary Breast and Ovarian Cancer; Hereditary breast and ovarian cancer. Identifiers: Orphanet 145, MedGen C0677776, MeSH D061325, MONDO:0003582. Disease mechanism: loss of function.
Hereditary cancer-predisposing syndrome. Also called: Neoplastic Syndromes, Hereditary; Hereditary neoplastic syndrome; Hereditary Cancer Syndrome; Tumor predisposition. Identifiers: Orphanet 140162, MedGen C0027672, MeSH D009386, MONDO:0015356.

Allele frequency attached by ClinVar (database versions not stated): gnomAD exomes below 0.00001; gnomAD 0.00001; TOPMed 0.00001.
gnomAD v4.1: 5 of 1,613,792 alleles (0.00031%); highest among the groups gnomAD compares: African/African-American, 0.0013%; no homozygotes.

Submissions (5):

Labcorp Genetics (formerly Invitae), Labcorp
Classification: Likely benign for Hereditary breast ovarian cancer syndrome. Last evaluated: 2025-08-13. Review status: criteria provided, single submitter. Criteria: Invitae Variant Classification Sherloc (09022015). Collection method: clinical testing. Allele origin: germline.

Genetics and Molecular Pathology, SA Pathology
Classification: Likely benign for Breast-ovarian cancer, familial, susceptibility to, 1. Last evaluated: 2020-04-22. Review status: criteria provided, single submitter. Criteria: ACMG Guidelines, 2015. Collection method: clinical testing. Allele origin: germline. Affected: yes.
Comment: BRCA1:c.2497T>C is a single nucleotide variant in exon 11 (of 24) that encodes a synonymous (silent) substitution in which Leucine is retained at position 833, NP_009225.1(BRCA1):p.(Leu833=) (BP7). This variant has not been published in the scientific literature in association with BRCA1 disorders.The nucleotide position of BRCA1:c.2497T>C is not conserved (PhyloP=-0.44) and is outside any known BRCA1 functional domain. This variant is not predicted to impact splicing (SpliceAI=0.00) (BP4). The variant (rs887578121) is recorded in population databases (2 heterozygous (1 heterozygous in non-cancer dataset), 0 homozygous / 152160 alleles, highest frequency 0.0024% (African/African American) (gnomAD 3.1.2)) (PM2_Supporting). BRCA1:c.2497T>C is recorded in ClinVar (Variation ID: 415591) as likely benign by multiple clinical laboratories (without conflict). It has not been reported in HGMD.

Ambry Genetics
Classification: Likely benign for Hereditary cancer-predisposing syndrome. Last evaluated: 2019-09-15. Review status: criteria provided, single submitter. Criteria: Ambry Variant Classification Scheme 2023. Collection method: clinical testing. Allele origin: germline.

Women's Health and Genetics/Laboratory Corporation of America, LabCorp
Classification: Likely benign. Last evaluated: 2019-08-21. Review status: criteria provided, single submitter. Criteria: LabCorp Variant Classification Summary - May 2015. Collection method: clinical testing. Allele origin: germline.

GeneDx
Classification: Likely benign. Last evaluated: 2017-12-19. Review status: criteria provided, single submitter. Criteria: GeneDx Variant Classification (06012015). Collection method: clinical testing. Allele origin: germline. Affected: yes.
Comment: This variant is considered likely benign or benign based on one or more of the following criteria: it is a conservative change, it occurs at a poorly conserved position in the protein, it is predicted to be benign by multiple in silico algorithms, and/or has population frequency not consistent with disease.